The following is an entry in ClinVar:

NM_018089.3(ANKZF1):c.1037T>C (p.Leu346Ser)

Gene: ANKZF1 (ankyrin repeat and zinc finger peptidyl tRNA hydrolase 1; plus strand). Cytogenetic location: 2q35.
Variant type: single nucleotide variant.
Coding change: c.1037T>C on transcript NM_018089.3 (MANE Select); coding-DNA position 1037, T replaced by C.
Protein change: p.Leu346Ser; replaces leucine 346 with serine.
Molecular consequence: missense variant.
Genome position (GRCh38, 1-based): chr2:219,233,932, T>C. VCF-style: chr2-219233932-T-C. GRCh37 (hg19) VCF-style: chr2-220098654-T-C.
Other names: c.1037T>C, p.Leu346Ser (NM_001042410.2); c.407T>C, p.Leu136Ser (NM_001282792.2); short protein forms L136S, L346S.
Identifiers: ClinVar variation 1388637 (VCV001388637.8), dbSNP rs764259830, ClinGen allele CA65971229.

ClinVar aggregate classification (germline): Uncertain significance (1 of 4 stars; one submission).

Allele frequency attached by ClinVar (database versions not stated): gnomAD exomes 0.00002 and 0.00010; gnomAD 0.00005 and 0.00006; TOPMed 0.00005.
gnomAD v4.1: 145 of 1,575,950 alleles (0.0092%); highest among the groups gnomAD compares: Non-Finnish European, 0.012%; no homozygotes.

Submission:

Labcorp Genetics (formerly Invitae), Labcorp
Classification: Uncertain significance. Last evaluated: 2024-10-23. Review status: criteria provided, single submitter. Criteria: Invitae Variant Classification Sherloc (09022015). Collection method: clinical testing. Allele origin: germline.
Comment: This sequence change replaces leucine, which is neutral and non-polar, with serine, which is neutral and polar, at codon 346 of the ANKZF1 protein (p.Leu346Ser). This variant is present in population databases (rs764259830, gnomAD 0.003%). This variant has not been reported in the literature in individuals affected with ANKZF1-related conditions. ClinVar contains an entry for this variant (Variation ID: 1388637). An algorithm developed to predict the effect of missense changes on protein structure and function (PolyPhen-2) suggests that this variant is likely to be tolerated. In summary, the available evidence is currently insufficient to determine the role of this variant in disease. Therefore, it has been classified as a Variant of Uncertain Significance.